The following is an entry in ClinVar:

NM_001367624.2(ZNF469):c.272G>T (p.Gly91Val)

Gene: ZNF469 (zinc finger protein 469; plus strand). Cytogenetic location: 16q24.2.
Variant type: single nucleotide variant.
Coding change: c.272G>T on transcript NM_001367624.2 (MANE Select); coding-DNA position 272, G replaced by T.
Protein change: p.Gly91Val; replaces glycine 91 with valine.
Molecular consequence: missense variant.
Genome position (GRCh38, 1-based): chr16:88,427,742, G>T. VCF-style: chr16-88427742-G-T. GRCh37 (hg19) VCF-style: chr16-88494150-G-T.
Other names: NM_001127464.1:c.272G>T; short protein forms G91V.
Identifiers: ClinVar variation 1795281 (VCV001795281.2), dbSNP rs1905785181, ClinGen allele CA397058973.

ClinVar aggregate classification (germline): Uncertain significance (1 of 4 stars; one submission).

Conditions:
Cardiovascular phenotype. Identifiers: MedGen CN230736.

gnomAD v4.1: 3 of 1,540,782 alleles (0.00019%); highest among the groups gnomAD compares: Middle Eastern, 0.017%; no homozygotes.

Submission:

Ambry Genetics
Classification: Uncertain significance for Cardiovascular phenotype. Last evaluated: 2020-12-18. Review status: criteria provided, single submitter. Criteria: Ambry Variant Classification Scheme 2023. Collection method: clinical testing. Allele origin: germline.
Comment: The p.G91V variant (also known as c.272G>T), located in coding exon 1 of the ZNF469 gene, results from a G to T substitution at nucleotide position 272. The glycine at codon 91 is replaced by valine, an amino acid with dissimilar properties. This amino acid position is not well conserved in available vertebrate species. In addition, this alteration is predicted to be tolerated by in silico analysis. Since supporting evidence is limited at this time, the clinical significance of this alteration remains unclear.